The following is an entry in ClinVar:

NM_022089.4(ATP13A2):c.1321A>T (p.Ile441Phe)

Gene: ATP13A2 (ATPase cation transporting 13A2; minus strand). Cytogenetic location: 1p36.13.
Variant type: single nucleotide variant.
Coding change: c.1321A>T on transcript NM_022089.4 (MANE Select); coding-DNA position 1321, A replaced by T.
Protein change: p.Ile441Phe; replaces isoleucine 441 with phenylalanine.
Molecular consequence: missense variant.
Genome position (GRCh38, 1-based): chr1:16,996,286, T>A on the plus strand (A>T on the coding strand, the complement: ATP13A2 is on the minus strand). VCF-style: chr1-16996286-T-A. GRCh37 (hg19) VCF-style: chr1-17322781-T-A.
Other names: c.1306A>T, p.Ile436Phe (NM_001141973.3, NM_001141974.3); short protein forms I441F, I436F.
Identifiers: ClinVar variation 971324 (VCV000971324.11), dbSNP rs772446950, ClinGen allele CA637261.

ClinVar aggregate classification (germline): Uncertain significance. Review status: criteria provided, multiple submitters, no conflicts (2 of 4 stars). 3 submissions from 3 submitters: Uncertain significance (3). Last evaluated 2025-07-07.

Conditions:
Kufor-Rakeb syndrome (KRS). Also called: PARKINSON DISEASE 9, AUTOSOMAL RECESSIVE, JUVENILE-ONSET. Identifiers: Orphanet 306674, Orphanet 314632, MedGen C1847640, MONDO:0011706, OMIM 606693.
Autosomal recessive spastic paraplegia type 78. Identifiers: Orphanet 513436, MedGen C5567893, MONDO:0014975, OMIM 617225.

Allele frequency attached by ClinVar (database versions not stated): gnomAD exomes 0.00002; ExAC 0.00003.
gnomAD v4.1: 20 of 1,614,084 alleles (0.0012%); highest among the groups gnomAD compares: South Asian, 0.021%; 1 homozygote.

Submissions (3):

Women's Health and Genetics/Laboratory Corporation of America, LabCorp
Classification: Uncertain significance. Last evaluated: 2025-07-07. Review status: criteria provided, single submitter. Criteria: LabCorp Variant Classification Summary - May 2015. Collection method: clinical testing. Allele origin: germline.
Comment: Variant summary: ATP13A2 c.1321A>T (p.Ile441Phe) results in a non-conservative amino acid change in the encoded protein sequence. Algorithms developed to predict the effect of missense changes on protein structure and function are either unavailable or do not agree on the potential impact of this missense change. The variant allele was found at a frequency of 1.6e-05 in 251280 control chromosomes. The available data on variant occurrences in the general population are insufficient to allow any conclusion about variant significance. c.1321A>T has been observed in a compound heterozygous individual and a heterozygous individual affected with juvenile-onset Parkinson disease (Suleiman_2018, Kumar_2020). These report(s) do not provide unequivocal conclusions about association of the variant with Neurodegeneration With Brain Iron Accumulation. To our knowledge, no experimental evidence demonstrating an impact on protein function has been reported. The following publications have been ascertained in the context of this evaluation (PMID: 32707456, 29903538). ClinVar contains an entry for this variant (Variation ID: 971324). Based on the evidence outlined above, the variant was classified as uncertain significance.

Revvity Omics, Revvity
Classification: Uncertain significance. Last evaluated: 2022-11-15. Review status: criteria provided, single submitter. Criteria: ACMG Guidelines, 2015. Collection method: clinical testing. Allele origin: germline.

Labcorp Genetics (formerly Invitae), Labcorp
Classification: Uncertain significance for Kufor-Rakeb syndrome; Autosomal recessive spastic paraplegia type 78. Last evaluated: 2022-02-12. Review status: criteria provided, single submitter. Criteria: Invitae Variant Classification Sherloc (09022015). Collection method: clinical testing. Allele origin: germline.
Comment: Advanced modeling of protein sequence and biophysical properties (such as structural, functional, and spatial information, amino acid conservation, physicochemical variation, residue mobility, and thermodynamic stability) performed at Invitae indicates that this missense variant is not expected to disrupt ATP13A2 protein function. This sequence change replaces isoleucine, which is neutral and non-polar, with phenylalanine, which is neutral and non-polar, at codon 441 of the ATP13A2 protein (p.Ile441Phe). This variant is present in population databases (rs772446950, gnomAD 0.01%). This missense change has been observed in individual(s) with early onset parkinsonism (PMID: 29903538). ClinVar contains an entry for this variant (Variation ID: 971324). In summary, the available evidence is currently insufficient to determine the role of this variant in disease. Therefore, it has been classified as a Variant of Uncertain Significance.

Literature cited by the submitters: PubMed 32707456 (cited by Women's Health and Genetics/Laboratory Corporation of America, LabCorp); PubMed 29903538 (cited by Women's Health and Genetics/Laboratory Corporation of America, LabCorp and Labcorp Genetics (formerly Invitae), Labcorp).